The following is an entry in ClinVar:

ClinVar aggregate classification (germline): Uncertain significance (1 of 4 stars; one submission).

Conditions:
Ataxia-telangiectasia syndrome (AT). Also called: Ataxia-telangiectasia, complementation group D; AT, COMPLEMENTATION GROUP C; ATAXIA-TELANGIECTASIA, COMPLEMENTATION GROUP A; ATAXIA-TELANGIECTASIA, FRESNO VARIANT; Ataxia-telangiectasia; Ataxia-telangiectasia, complementation group E. Identifiers: Orphanet 100, MedGen C0004135, MONDO:0008840, OMIM 208900.

Submission:

Labcorp Genetics (formerly Invitae), Labcorp
Classification: Uncertain significance for Ataxia-telangiectasia syndrome. Last evaluated: 2025-04-13. Review status: criteria provided, single submitter. Criteria: Invitae Variant Classification Sherloc (09022015). Collection method: clinical testing. Allele origin: germline.
Comment: This sequence change replaces leucine, which is neutral and non-polar, with isoleucine, which is neutral and non-polar, at codon 1936 of the ATM protein (p.Leu1936Ile). This variant is not present in population databases (gnomAD no frequency). This variant has not been reported in the literature in individuals affected with ATM-related conditions. ClinVar contains an entry for this variant (Variation ID: 3693923). Invitae Evidence Modeling of protein sequence and biophysical properties (such as structural, functional, and spatial information, amino acid conservation, physicochemical variation, residue mobility, and thermodynamic stability) indicates that this missense variant is not expected to disrupt ATM protein function with a negative predictive value of 95%. In summary, the available evidence is currently insufficient to determine the role of this variant in disease. Therefore, it has been classified as a Variant of Uncertain Significance.

NM_000051.4(ATM):c.5806T>A (p.Leu1936Ile)

Genes: ATM (ATM serine/threonine kinase; plus strand), C11orf65 (chromosome 11 open reading frame 65; minus strand). Cytogenetic location: 11q22.3.
Variant type: single nucleotide variant.
Coding change: c.5806T>A on transcript NM_000051.4 (MANE Select); coding-DNA position 5806, T replaced by A.
Protein change: p.Leu1936Ile; replaces leucine 1936 with isoleucine.
Molecular consequence: missense variant. On other transcripts: intron variant (2).
Genome position (GRCh38, 1-based): chr11:108,310,203, T>A. VCF-style: chr11-108310203-T-A. GRCh37 (hg19) VCF-style: chr11-108180930-T-A.
Other names: c.5806T>A, p.Leu1936Ile (NM_001351834.2); c.641-1132A>T (NM_001330368.2); c.*39-1132A>T (NM_001351110.2); short protein forms L1936I.
Identifiers: ClinVar variation 3693923 (VCV003693923.2).
Genomic context (GRCh38, chr11:108,310,203, plus strand): 5'-ATCTCATTTTTCTTTAGACCTTCTTCAGGAACAATTTTTAATGATGCTTTCTGGCTGGAT[T>A]TAAATTATCTAGAAGTTGCCAAGGTAGCTCAGTCTTGTGCTGCTCACTTTACAGCTTTAC-3'
Protein context (NP_000042.3, residues 1926-1946): TIFNDAFWLD[Leu1936Ile]NYLEVAKVAQ